The following is an entry in ClinVar:

ClinVar aggregate classification (germline): Likely benign. Review status: criteria provided, single submitter (1 of 4 stars). 2 submissions from 2 submitters: Likely benign (1). 1 of the submissions does not count toward it. Last evaluated 2025-02-11.

Conditions:
MRPS2-related disorder. Also called: MRPS2-related condition.

Allele frequency attached by ClinVar (database versions not stated): ESP Exome Variant Server 0.00024; gnomAD 0.00029; TOPMed 0.00040; ExAC 0.00020.

Submissions (2):

Mayo Clinic Laboratories, Mayo Clinic
Classification: Likely benign. Last evaluated: 2025-02-11. Review status: criteria provided, single submitter. Criteria: ACMG Guidelines, 2015. Collection method: clinical testing. Allele origin: germline. Observed: 1 variant allele.
Comment: BP4, BP7

PreventionGenetics, part of Exact Sciences
Classification: Likely benign for MRPS2-related condition. Last evaluated: 2020-01-13. Review status: no assertion criteria provided. Collection method: clinical testing. Allele origin: germline. Not counted in ClinVar's aggregate classification.
Comment: This variant is classified as likely benign based on ACMG/AMP sequence variant interpretation guidelines (Richards et al. 2015 PMID: 25741868, with internal and published modifications).

NM_016034.5(MRPS2):c.169+9G>A

Gene: MRPS2 (mitochondrial ribosomal protein S2; plus strand). Cytogenetic location: 9q34.3.
Variant type: single nucleotide variant.
Coding change: c.169+9G>A on transcript NM_016034.5 (MANE Select); 9 bases into the intron after coding-DNA position 169, G replaced by A.
Molecular consequence: intron variant. On other transcripts: non-coding transcript variant (1).
Genome position (GRCh38, 1-based): chr9:135,501,132, G>A. VCF-style: chr9-135501132-G-A. GRCh37 (hg19) VCF-style: chr9-138392978-G-A.
Other names: p.?; c.169+9G>A (NM_001371401.1).
Identifiers: ClinVar variation 3051888 (VCV003051888.3), dbSNP rs367848572, ClinGen allele CA5323827.